The following is an entry in ClinVar:

NM_138792.4(LEO1):c.887C>G (p.Ser296Ter)

Gene: LEO1 (LEO1 component of Paf1/RNA polymerase II complex; minus strand). Cytogenetic location: 15q21.2.
Variant type: single nucleotide variant.
Coding change: c.887C>G on transcript NM_138792.4 (MANE Select); coding-DNA position 887, C replaced by G.
Protein change: p.Ser296Ter; replaces serine 296 with a stop codon.
Molecular consequence: nonsense.
Genome position (GRCh38, 1-based): chr15:51,962,421, G>C on the plus strand (C>G on the coding strand, the complement: LEO1 is on the minus strand). VCF-style: chr15-51962421-G-C. GRCh37 (hg19) VCF-style: chr15-52254618-G-C.
Other names: c.887C>G, p.Ser296Ter (NM_001286430.2, NM_001323903.2, NM_001323904.2 and 2 more transcripts); short protein forms S296*.
Identifiers: ClinVar variation 5017240 (VCV005017240.1).

ClinVar aggregate classification (germline): Uncertain significance (1 of 4 stars; one submission).

Submission:

GeneDx
Classification: Uncertain significance. Last evaluated: 2026-03-24. Review status: criteria provided, single submitter. Criteria: GeneDx Variant Classification Process June 2021. Collection method: clinical testing. Allele origin: germline.
Comment: Not observed at significant frequency in large population cohorts (gnomAD); Nonsense variant predicted to result in protein truncation or nonsense mediated decay in a gene or region of a gene for which loss of function is not a well-established mechanism of disease; Has not been previously published as pathogenic or benign to our knowledge